The following is an entry in ClinVar:

ClinVar aggregate classification (germline): Uncertain significance (1 of 4 stars; one submission).

Conditions:
Hereditary cancer-predisposing syndrome. Also called: Neoplastic Syndromes, Hereditary; Tumor predisposition; Hereditary neoplastic syndrome; Hereditary Cancer Syndrome. Identifiers: Orphanet 140162, MedGen C0027672, MeSH D009386, MONDO:0015356.
Cardiovascular phenotype. Identifiers: MedGen CN230736.

Submission:

Ambry Genetics
Classification: Uncertain significance for Cardiovascular phenotype; Hereditary cancer-predisposing syndrome. Last evaluated: 2024-01-03. Review status: criteria provided, single submitter. Criteria: Ambry Variant Classification Scheme 2023. Collection method: clinical testing. Allele origin: germline.
Comment: The p.G1293C variant (also known as c.3877G>T), located in coding exon 29 of the NF1 gene, results from a G to T substitution at nucleotide position 3877. The glycine at codon 1293 is replaced by cysteine, an amino acid with highly dissimilar properties. This amino acid position is highly conserved in available vertebrate species. In addition, this alteration is predicted to be deleterious by in silico analysis. Since supporting evidence is limited at this time, the clinical significance of this alteration remains unclear.

NM_001042492.3(NF1):c.3877G>T (p.Gly1293Cys)

Gene: NF1 (neurofibromin 1; plus strand). Cytogenetic location: 17q11.2.
Variant type: single nucleotide variant.
Coding change: c.3877G>T on transcript NM_001042492.3 (MANE Select); coding-DNA position 3877, G replaced by T.
Protein change: p.Gly1293Cys; replaces glycine 1293 with cysteine.
Molecular consequence: missense variant.
Genome position (GRCh38, 1-based): chr17:31,235,924, G>T. VCF-style: chr17-31235924-G-T. GRCh37 (hg19) VCF-style: chr17-29562942-G-T.
Other names: c.3877G>T, p.Gly1293Cys (NM_000267.4); short protein forms G1293C.
Identifiers: ClinVar variation 3237756 (VCV003237756.1), dbSNP rs2151438502.
Genomic context (GRCh38, chr17:31,235,924, plus strand): 5'-AAGGTAAAATATATGGAGCAGGTATAATAAACTCCTATTCGTGCATTTCTGTAGGTATAT[G>T]GTGCTACCTATCTACAAAAACTCCTGGATCCTTTATTACGAATTGTGATCACATCCTCTG-3'
Protein context (NP_001035957.1, residues 1283-1303): KIMTFCFKVY[Gly1293Cys]ATYLQKLLDP